The following is an entry in ClinVar:

ClinVar aggregate classification (germline): Uncertain significance (1 of 4 stars; one submission).

Conditions:
Schizophrenia (SCZD). Identifiers: MedGen C0036341, MeSH D012559, MONDO:0005090, OMIM 181500, HP:0100753.

gnomAD v4.1: 4 of 1,612,102 alleles (0.00025%); highest among the groups gnomAD compares: African/African-American, 0.0027%; no homozygotes.

Submission:

Johns Hopkins Genomics, Johns Hopkins University
Classification: Uncertain significance for Schizophrenia. Last evaluated: 2024-02-04. Review status: criteria provided, single submitter. Criteria: ACMG Guidelines, 2015. Collection method: clinical testing. Allele origin: germline.
Comment: This RTN4R variant (rs766056501) is rare (<0.1%) in a large population dataset (gnomADv2.1.1: 1/31392 total alleles; 0.003%; no homozygotes) and has not been reported in ClinVar nor the literature, to our knowledge. Two bioinformatic tools queried predict that this substitution (p.Ser70Trp) would be damaging, and the serine residue at this position is conserved across Supraprimates. This missense variant is not predicted to affect normal exon 2 splicing, although this has not been confirmed experimentally to our knowledge. Due to insufficient evidence that this variant confers an increased risk for schizophrenia, we consider the clinical significance of c.209C>G to be uncertain at this time.

Literature cited by the submitters: PubMed 15532024; PubMed 19052207; PubMed 28892071.

NM_023004.6(RTN4R):c.209C>G (p.Ser70Trp)

Gene: RTN4R (reticulon 4 receptor; minus strand). Cytogenetic location: 22q11.21.
Variant type: single nucleotide variant.
Coding change: c.209C>G on transcript NM_023004.6 (MANE Select); coding-DNA position 209, C replaced by G.
Protein change: p.Ser70Trp; replaces serine 70 with tryptophan.
Molecular consequence: missense variant.
Genome position (GRCh38, 1-based): chr22:20,242,924, G>C on the plus strand (C>G on the coding strand, the complement: RTN4R is on the minus strand). VCF-style: chr22-20242924-G-C. GRCh37 (hg19) VCF-style: chr22-20230447-G-C.
Other names: short protein forms S70W.
Identifiers: ClinVar variation 4280032 (VCV004280032.1).
Genomic context (GRCh38, chr22:20,242,924, plus strand): 5'-GAGTGCAGCCACAGGATGGTGAGGTTGCGGCAGGCACGGAAGCTGGCAGCTGGCACATGC[G>C]AGATGCGGTTGCCGTGCAGGAAGATGCGCTGGCTGGCAGCAGGGATGCCCACGGGCACAG-3'
Protein context (NP_075380.1, residues 60-80): QRIFLHGNRI[Ser70Trp]HVPAASFRAC